The following is an entry in ClinVar:

NM_001379500.1(COL18A1):c.3681C>G (p.Ile1227Met)

Genes: COL18A1 (collagen type XVIII alpha 1 chain; plus strand), SLC19A1 (solute carrier family 19 member 1; minus strand). Cytogenetic location: 21q22.3.
Variant type: single nucleotide variant.
Coding change: c.3681C>G on transcript NM_001379500.1 (MANE Select); coding-DNA position 3681, C replaced by G.
Protein change: p.Ile1227Met; replaces isoleucine 1227 with methionine.
Molecular consequence: missense variant.
Genome position (GRCh38, 1-based): chr21:45,510,249, C>G. VCF-style: chr21-45510249-C-G. GRCh37 (hg19) VCF-style: chr21-46930163-C-G.
Other names: NM_130445.2:c.3672C>G; c.4212C>G, p.Ile1404Met (NM_030582.4); c.4917C>G, p.Ile1639Met (NM_130444.3); c.4212C>G (NM_030582.3); short protein forms I1639M, I1404M, I1227M.
Identifiers: ClinVar variation 4005060 (VCV004005060.2).
Genomic context (GRCh38, chr21:45,510,249, plus strand): 5'-CTCGCGCCTGCAGGACCTGTACAGCATCGTGCGCCGTGCCGACCGCGCAGCCGTGCCCAT[C>G]GTCAACCTCAAGGTGGGTCAGTCCAGTCCTGAGGGCGCGGGCTCCTCGGCCCCCACTTGA-3'
Protein context (NP_001366429.1, residues 1217-1237): VRRADRAAVP[Ile1227Met]VNLKDELLFP

ClinVar aggregate classification (germline): Conflicting classifications of pathogenicity. Review status: criteria provided, conflicting classifications (1 of 4 stars). 2 submissions from 2 submitters: Uncertain significance (1); Likely benign (1). Last evaluated 2026-08-21.

Conditions:
Inborn genetic diseases. Identifiers: MedGen C0950123, MeSH D030342.
COL18A1-related disorder. Also called: COL18A1-related disorders; COL18A1-related condition.

Submissions (2):

PreventionGenetics, part of Exact Sciences
Classification: Likely benign for COL18A1-related condition. Last evaluated: 2026-08-21. Review status: criteria provided, single submitter. Criteria: ACMG Guidelines, 2015. Collection method: clinical testing. Allele origin: germline.
Comment: This variant is classified as likely benign based on ACMG/AMP sequence variant interpretation guidelines (Richards et al. 2015 PMID: 25741868, with internal and published modifications).

Ambry Genetics
Classification: Uncertain significance for Inborn genetic diseases. Last evaluated: 2025-03-22. Review status: criteria provided, single submitter. Criteria: Ambry Variant Classification Scheme 2023. Collection method: clinical testing. Allele origin: germline.